The following is an entry in ClinVar:

ClinVar aggregate classification (germline): Uncertain significance (1 of 4 stars; one submission).

Conditions:
Cardiovascular phenotype. Identifiers: MedGen CN230736.

gnomAD v4.1: 1 of 1,614,250 alleles (0.000062%); highest among the groups gnomAD compares: Non-Finnish European, 0.000085%; no homozygotes.

Submission:

Ambry Genetics
Classification: Uncertain significance for Cardiovascular phenotype. Last evaluated: 2024-10-25. Review status: criteria provided, single submitter. Criteria: Ambry Variant Classification Scheme 2023. Collection method: clinical testing. Allele origin: germline.
Comment: The p.P643L variant (also known as c.1928C>T), located in coding exon 7 of the KCND3 gene, results from a C to T substitution at nucleotide position 1928. The proline at codon 643 is replaced by leucine, an amino acid with similar properties. This amino acid position is conserved. In addition, the in silico prediction for this alteration is inconclusive. Based on the available evidence, the clinical significance of this variant remains unclear.

NM_001378969.1(KCND3):c.1928C>T (p.Pro643Leu)

Gene: KCND3 (potassium voltage-gated channel subfamily D member 3; minus strand). Cytogenetic location: 1p13.2.
Variant type: single nucleotide variant.
Coding change: c.1928C>T on transcript NM_001378969.1 (MANE Select); coding-DNA position 1928, C replaced by T.
Protein change: p.Pro643Leu; replaces proline 643 with leucine.
Molecular consequence: missense variant.
Genome position (GRCh38, 1-based): chr1:111,776,117, G>A on the plus strand (C>T on the coding strand, the complement: KCND3 is on the minus strand). VCF-style: chr1-111776117-G-A. GRCh37 (hg19) VCF-style: chr1-112318739-G-A.
Other names: c.1871C>T, p.Pro624Leu (NM_001378970.1, NM_172198.3); c.1928C>T, p.Pro643Leu (NM_004980.5); short protein forms P624L, P643L.
Identifiers: ClinVar variation 3532234 (VCV003532234.1).